The following is an entry in ClinVar:

NM_003661.4(APOL1):c.315-48A>G

Gene: APOL1 (apolipoprotein L1; plus strand). Cytogenetic location: 22q12.3.
Variant type: single nucleotide variant.
Coding change: c.315-48A>G on transcript NM_003661.4 (MANE Select); 48 bases into the intron before coding-DNA position 315, A replaced by G.
Molecular consequence: intron variant.
Genome position (GRCh38, 1-based): chr22:36,265,103, A>G. VCF-style: chr22-36265103-A-G. GRCh37 (hg19) VCF-style: chr22-36661149-A-G.
Other names: c.363-48A>G (NM_145343.3); c.315-48A>G (NM_001136540.2); c.261-48A>G (NM_001362927.2, NM_001136541.2).
Identifiers: ClinVar variation 1262895 (VCV001262895.6), dbSNP rs136169, ClinGen allele CA10208643.

ClinVar aggregate classification (germline): Benign. Review status: criteria provided, multiple submitters, no conflicts (2 of 4 stars). 3 submissions from 3 submitters: Benign (3). Last evaluated 2024-07-15.

Allele frequency attached by ClinVar (database versions not stated): ExAC 0.83389; gnomAD exomes 0.83594; ESP Exome Variant Server 0.84920; gnomAD 0.85482 and 0.85685; TOPMed 0.86195; 1000 Genomes Project 0.86382; 1000 Genomes Project 30x 0.86805.

Submissions (3):

Unidad de Genómica Garrahan, Hospital de Pediatría Garrahan
Classification: Benign. Last evaluated: 2024-07-15. Review status: criteria provided, single submitter. Criteria: ACMG Guidelines, 2015. Collection method: clinical testing. Allele origin: germline. Affected: no. Observed: 91 variant alleles.
Comment: This variant is classified as Benign based on local population frequency. This variant was detected in 98% of patients studied in a panel designed for Epileptic and Developmental Encephalopathy and Progressive Myoclonus Epilepsy. Number of patients: 91. Only high quality variants are reported.

GeneDx
Classification: Benign. Last evaluated: 2018-11-10. Review status: criteria provided, single submitter. Criteria: GeneDx Variant Classification Process June 2021. Collection method: clinical testing. Allele origin: germline. Affected: yes.

Breakthrough Genomics
Classification: Benign. Review status: criteria provided, single submitter. Criteria: ACMG Guidelines, 2015. Collection method: not provided. Allele origin: germline. Inheritance: Unknown mechanism. Affected: yes.